The following is an entry in ClinVar:

NM_017668.3(NDE1):c.406G>A (p.Glu136Lys)

Gene: NDE1 (nudE neurodevelopment protein 1; plus strand). Cytogenetic location: 16p13.11.
Variant type: single nucleotide variant.
Coding change: c.406G>A on transcript NM_017668.3 (MANE Select); coding-DNA position 406, G replaced by A.
Protein change: p.Glu136Lys; replaces glutamic acid 136 with lysine.
Molecular consequence: missense variant.
Genome position (GRCh38, 1-based): chr16:15,687,394, G>A. VCF-style: chr16-15687394-G-A. GRCh37 (hg19) VCF-style: chr16-15781251-G-A.
Other names: c.406G>A, p.Glu136Lys (NM_001143979.2); short protein forms E136K.
Identifiers: ClinVar variation 1805528 (VCV001805528.1), dbSNP rs776712861, ClinGen allele CA7920664.

ClinVar aggregate classification (germline): Uncertain significance (1 of 4 stars; one submission).

Conditions:
Lissencephaly 4 (LIS4). Also called: Lissencephaly 4 (with microcephaly). Identifiers: Orphanet 1083, MedGen C3151461, MONDO:0013527, OMIM 614019.

Allele frequency attached by ClinVar (database versions not stated): gnomAD exomes below 0.00001; ExAC 0.00001.
gnomAD v4.1: 5 of 1,614,156 alleles (0.00031%); highest among the groups gnomAD compares: East Asian, 0.0022%; no homozygotes.

Submission:

Victorian Clinical Genetics Services, Murdoch Childrens Research Institute
Classification: Uncertain significance for Lissencephaly 4. Last evaluated: 2020-06-11. Review status: criteria provided, single submitter. Criteria: ACMG Guidelines, 2015. Collection method: clinical testing. Allele origin: germline. Inheritance: Autosomal recessive inheritance. Affected: yes.
Comment: Based on the classification scheme VCGS_Germline_v1.1.1, this variant is classified as VUS – 3B. Following criteria are met: 0102 - Loss-of-function is a known mechanism of disease for this gene. (N) 0106 - This gene is known to be associated with autosomal recessive disease. (N) 0200 - Variant is predicted to result in a missense amino acid change from glutamic acid to lysine. This variant is in exon 5 of the NDE1 gene. (N) 0251 - Variant is heterozygous. (N) 0304 - Variant is present in gnomAD <0.01 for a recessive condition (1 heterozygote, 0 homozygotes). (P) 0502 - Missense variant with conflicting in silico predictions and/or uninformative conservation. (N) 0600 - Variant is located in an annotated domain or motif, (NUDE_C domain; NCBI, PDB)). (N) 0705 - No comparable variants have previous evidence for pathogenicity. (N) 0807 - Variant has not previously been reported in a clinical context. (N) 0905 - No segregation evidence has been identified for this variant in the literature. (N) 1007 - No published functional evidence has been identified for this variant. (N) 1208 - Inheritance information for this variant is not currently available. (N) Legend: (P) - Pathogenic, (N) - Neutral, (B) - Benign